The following is an entry in ClinVar:

ClinVar aggregate classification (germline): Benign/Likely benign. Review status: criteria provided, multiple submitters, no conflicts (2 of 4 stars). 2 submissions from 2 submitters: Benign (1); Likely benign (1). Last evaluated 2026-01-13.

Conditions:
Primary ciliary dyskinesia. Also called: Ciliary dyskinesia. Identifiers: Orphanet 244, MedGen C0008780, MONDO:0016575, HP:0012265.

Allele frequency attached by ClinVar (database versions not stated): TOPMed 0.00167; ESP Exome Variant Server 0.00238; gnomAD exomes 0.00012 and 0.00037; ExAC 0.00045; 1000 Genomes Project 0.00120; 1000 Genomes Project 30x 0.00125; gnomAD 0.00140 and 0.00152.
gnomAD v4.1: 411 of 1,613,768 alleles (0.025%); highest among the groups gnomAD compares: African/African-American, 0.47%; 1 homozygote.

Submissions (2):

Labcorp Genetics (formerly Invitae), Labcorp
Classification: Benign for Primary ciliary dyskinesia. Last evaluated: 2026-01-13. Review status: criteria provided, single submitter. Criteria: Invitae Variant Classification Sherloc (09022015). Collection method: clinical testing. Allele origin: germline.

CeGaT Center for Human Genetics Tuebingen
Classification: Likely benign. Last evaluated: 2023-12-01. Review status: criteria provided, single submitter. Criteria: CeGaT Center For Human Genetics Tuebingen Variant Classification Criteria Version 2. Collection method: clinical testing. Allele origin: germline. Affected: yes. Observed: 1 variant allele.
Comment: DNAH8: BP4

NM_001206927.2(DNAH8):c.10591C>T (p.Leu3531=)

Genes: DNAH8 (dynein axonemal heavy chain 8; plus strand), DNAH8-AS1 (DNAH8 antisense RNA 1; minus strand). Cytogenetic location: 6p21.2.
Variant type: single nucleotide variant.
Coding change: c.10591C>T on transcript NM_001206927.2 (MANE Select); coding-DNA position 10591, C replaced by T.
Protein change: p.Leu3531=; no amino-acid change (leucine 3531 retained).
Molecular consequence: synonymous variant.
Genome position (GRCh38, 1-based): chr6:38,921,435, C>T. VCF-style: chr6-38921435-C-T. GRCh37 (hg19) VCF-style: chr6-38889211-C-T.
Other names: c.9940C>T, p.Leu3314= (NM_001371.4).
Identifiers: ClinVar variation 414379 (VCV000414379.34), dbSNP rs150730516, ClinGen allele CA3790772.